The following is an entry in ClinVar:

ClinVar aggregate classification (germline): Uncertain significance (1 of 4 stars; one submission).

Conditions:
Primary ciliary dyskinesia. Also called: Ciliary dyskinesia. Identifiers: Orphanet 244, MedGen C0008780, MONDO:0016575, HP:0012265.

Submission:

Labcorp Genetics (formerly Invitae), Labcorp
Classification: Uncertain significance for Primary ciliary dyskinesia. Last evaluated: 2021-12-13. Review status: criteria provided, single submitter. Criteria: Invitae Variant Classification Sherloc (09022015). Collection method: clinical testing. Allele origin: germline.
Comment: This variant has not been reported in the literature in individuals affected with DNAAF3-related conditions. Algorithms developed to predict the effect of missense changes on protein structure and function are either unavailable or do not agree on the potential impact of this missense change (SIFT: "Deleterious"; PolyPhen-2: "Possibly Damaging"; Align-GVGD: "Class C0"). In summary, the available evidence is currently insufficient to determine the role of this variant in disease. Therefore, it has been classified as a Variant of Uncertain Significance. This variant is not present in population databases (gnomAD no frequency). This sequence change replaces glutamine, which is neutral and polar, with histidine, which is basic and polar, at codon 562 of the DNAAF3 protein (p.Gln562His).

NM_001256715.2(DNAAF3):c.1485G>C (p.Gln495His)

Gene: DNAAF3 (dynein axonemal assembly factor 3; minus strand). Cytogenetic location: 19q13.42.
Variant type: single nucleotide variant.
Coding change: c.1485G>C on transcript NM_001256715.2 (MANE Select); coding-DNA position 1485, G replaced by C.
Protein change: p.Gln495His; replaces glutamine 495 with histidine.
Molecular consequence: missense variant.
Genome position (GRCh38, 1-based): chr19:55,159,203, C>G on the plus strand (G>C on the coding strand, the complement: DNAAF3 is on the minus strand). VCF-style: chr19-55159203-C-G. GRCh37 (hg19) VCF-style: chr19-55670571-C-G.
Other names: c.1626G>C, p.Gln542His (NM_178837.4); c.1686G>C, p.Gln562His (NM_001256714.1); c.1323G>C, p.Gln441His (NM_001256716.2); short protein forms Q495H, Q542H, Q562H, Q441H.
Identifiers: ClinVar variation 2141933 (VCV002141933.4), dbSNP rs2515510019, ClinGen allele CA407445298.
Genomic context (GRCh38, chr19:55,159,203, plus strand): 5'-ACCTGGAGACTCAGAGGGCAGCTGGCAGGGCTCACAGTGTGGGGTCCCACCCTGCAGAGG[C>G]TGGGTCAGGCCCTCAAGGGCTGGGTTGCTGGCTTCAAGAGGCTGGGCCAGGATGTCAAGG-3'
Protein context (NP_001243644.1, residues 485-505): ASNPALEGLT[Gln495His]PLQGGTPHCE